The following is an entry in ClinVar:

ClinVar aggregate classification (germline): Uncertain significance. Review status: criteria provided, multiple submitters, no conflicts (2 of 4 stars). 2 submissions from 2 submitters: Uncertain significance (2). Last evaluated 2025-10-07.

Conditions:
Inborn genetic diseases. Identifiers: MedGen C0950123, MeSH D030342.

gnomAD v4.1: 22 of 1,613,584 alleles (0.0014%); highest among the groups gnomAD compares: Middle Eastern, 0.033%; no homozygotes.

Submissions (2):

Ambry Genetics
Classification: Uncertain significance for Inborn genetic diseases. Last evaluated: 2025-10-07. Review status: criteria provided, single submitter. Criteria: Ambry Variant Classification Scheme 2023. Collection method: clinical testing. Allele origin: germline.

Labcorp Genetics (formerly Invitae), Labcorp
Classification: Uncertain significance. Last evaluated: 2024-11-05. Review status: criteria provided, single submitter. Criteria: Invitae Variant Classification Sherloc (09022015). Collection method: clinical testing. Allele origin: germline.
Comment: This sequence change replaces valine, which is neutral and non-polar, with methionine, which is neutral and non-polar, at codon 90 of the CDH2 protein (p.Val90Met). The frequency data for this variant in the population databases is considered unreliable, as metrics indicate poor data quality at this position in the gnomAD database. This variant has not been reported in the literature in individuals affected with CDH2-related conditions. ClinVar contains an entry for this variant (Variation ID: 1494115). An algorithm developed to predict the effect of missense changes on protein structure and function (PolyPhen-2) suggests that this variant is likely to be tolerated. In summary, the available evidence is currently insufficient to determine the role of this variant in disease. Therefore, it has been classified as a Variant of Uncertain Significance.

NM_001792.5(CDH2):c.268G>A (p.Val90Met)

Gene: CDH2 (cadherin 2; minus strand). Cytogenetic location: 18q12.1.
Variant type: single nucleotide variant.
Coding change: c.268G>A on transcript NM_001792.5 (MANE Select); coding-DNA position 268, G replaced by A.
Protein change: p.Val90Met; replaces valine 90 with methionine.
Molecular consequence: missense variant.
Genome position (GRCh38, 1-based): chr18:28,013,814, C>T on the plus strand (G>A on the coding strand, the complement: CDH2 is on the minus strand). VCF-style: chr18-28013814-C-T. GRCh37 (hg19) VCF-style: chr18-25593778-C-T.
Other names: c.175G>A, p.Val59Met (NM_001308176.2); c.268G>A (NM_001792.3); short protein forms V59M, V90M.
Identifiers: ClinVar variation 1494115 (VCV001494115.8), dbSNP rs778990479, ClinGen allele CA8923737.